The following is an entry in ClinVar:

NM_000256.3(MYBPC3):c.440C>T (p.Pro147Leu)

Gene: MYBPC3 (myosin binding protein C3; minus strand). Cytogenetic location: 11p11.2.
Variant type: single nucleotide variant.
Coding change: c.440C>T on transcript NM_000256.3 (MANE Select); coding-DNA position 440, C replaced by T.
Protein change: p.Pro147Leu; replaces proline 147 with leucine.
Molecular consequence: missense variant.
Genome position (GRCh38, 1-based): chr11:47,350,079, G>A on the plus strand (C>T on the coding strand, the complement: MYBPC3 is on the minus strand). VCF-style: chr11-47350079-G-A. GRCh37 (hg19) VCF-style: chr11-47371630-G-A.
Other names: p.P147L:CCT>CTT; c.440C>T, p.Pro147Leu (LRG_386t1); short protein forms P147L.
Identifiers: ClinVar variation 181035 (VCV000181035.17), dbSNP rs730880615, ClinGen allele CA015098.

ClinVar aggregate classification (germline): Benign/Likely benign. Review status: criteria provided, multiple submitters, no conflicts (2 of 4 stars). 6 submissions from 6 submitters: Benign (3); Likely benign (3). Last evaluated 2025-08-05.

Conditions:
Cardiovascular phenotype. Identifiers: MedGen CN230736.
Cardiomyopathy (CMYO). Also called: Cardiomyopathies. Identifiers: Orphanet 167848, MedGen C0878544, MONDO:0004994, HP:0001638. Inheritance: Various modes of inheritance.
Hypertrophic cardiomyopathy. Also called: HYPERTROPHIC MYOCARDIOPATHY. Identifiers: Orphanet 217569, MedGen C0007194, MeSH D002312, MONDO:0005045, HP:0001639.

Allele frequency attached by ClinVar (database versions not stated): TOPMed 0.00001; gnomAD exomes 0.00018 and 0.00058; 1000 Genomes Project 30x 0.00031; ExAC 0.00038; gnomAD 0.00048 and 0.00051.

Submissions (6):

Labcorp Genetics (formerly Invitae), Labcorp
Classification: Benign for Hypertrophic cardiomyopathy. Last evaluated: 2025-08-05. Review status: criteria provided, single submitter. Criteria: Invitae Variant Classification Sherloc (09022015). Collection method: clinical testing. Allele origin: germline.

Blueprint Genetics
Classification: Likely benign. Last evaluated: 2024-10-16. Review status: criteria provided, single submitter. Criteria: ACMG Guidelines, 2015. Collection method: clinical testing. Allele origin: germline.

Ambry Genetics
Classification: Likely benign for Cardiovascular phenotype. Last evaluated: 2024-02-22. Review status: criteria provided, single submitter. Criteria: Ambry Variant Classification Scheme 2023. Collection method: clinical testing. Allele origin: germline.

All of Us Research Program, National Institutes of Health
Classification: Benign for Hypertrophic cardiomyopathy. Last evaluated: 2023-10-02. Review status: criteria provided, single submitter. Criteria: ACMG Guidelines, 2015. Collection method: clinical testing. Allele origin: germline. Inheritance: Autosomal dominant inheritance. Observed: 7 variant alleles, 7 heterozygotes.
Comment: This study involves interpretation of variants in research participants for the purpose of population health screening. Participant phenotype was not available at the time of variant classification. Additional details can be found in publication PMID: 35346344, PMCID: PMC8962531

Color Diagnostics, LLC DBA Color Health
Classification: Benign for Cardiomyopathy. Last evaluated: 2019-01-24. Review status: criteria provided, single submitter. Criteria: ACMG Guidelines, 2015. Collection method: clinical testing. Allele origin: germline.

GeneDx
Classification: Likely benign. Last evaluated: 2017-12-15. Review status: criteria provided, single submitter. Criteria: GeneDx Variant Classification (06012015). Collection method: clinical testing. Allele origin: germline. Affected: yes.
Comment: This variant is considered likely benign or benign based on one or more of the following criteria: it is a conservative change, it occurs at a poorly conserved position in the protein, it is predicted to be benign by multiple in silico algorithms, and/or has population frequency not consistent with disease.

Literature cited by the submitters: PubMed 12110947 (cited by Ambry Genetics); PubMed 27662471 (cited by Ambry Genetics); PubMed 30775854 (cited by Ambry Genetics); PubMed 35653365 (cited by Ambry Genetics).